The following is an entry in ClinVar:

ClinVar aggregate classification (germline): Conflicting classifications of pathogenicity. Review status: criteria provided, conflicting classifications (1 of 4 stars). 6 submissions from 6 submitters: Uncertain significance (4); Likely benign (1). 1 of the submissions does not count toward it. Last evaluated 2025-12-01.

Conditions:
Cardiovascular phenotype. Identifiers: MedGen CN230736.
Cardiomyopathy (CMYO). Also called: Cardiomyopathies. Identifiers: Orphanet 167848, MedGen C0878544, MONDO:0004994, HP:0001638. Inheritance: Various modes of inheritance.
Arrhythmogenic right ventricular dysplasia 5. Also called: Arrhythmogenic Right Ventricular Dysplasia/Cardiomyopathy 5; ARRHYTHMOGENIC RIGHT VENTRICULAR DYSPLASIA, FAMILIAL, 5. Identifiers: MedGen C1858379, MONDO:0011459, OMIM 604400.

Allele frequency attached by ClinVar (database versions not stated): gnomAD exomes 0.00001 and 0.00002; ExAC 0.00003; ESP Exome Variant Server 0.00015; TOPMed 0.00016; gnomAD 0.00017.

Submissions (6):

Labcorp Genetics (formerly Invitae), Labcorp
Classification: Uncertain significance for Arrhythmogenic right ventricular dysplasia 5. Last evaluated: 2025-12-01. Review status: criteria provided, single submitter. Criteria: Invitae Variant Classification Sherloc (09022015). Collection method: clinical testing. Allele origin: germline.
Comment: This sequence change replaces methionine, which is neutral and non-polar, with valine, which is neutral and non-polar, at codon 121 of the TMEM43 protein (p.Met121Val). This variant is present in population databases (rs369878538, gnomAD 0.03%). This variant has not been reported in the literature in individuals affected with TMEM43-related conditions. ClinVar contains an entry for this variant (Variation ID: 46143). Invitae Evidence Modeling of protein sequence and biophysical properties (such as structural, functional, and spatial information, amino acid conservation, physicochemical variation, residue mobility, and thermodynamic stability) indicates that this missense variant is not expected to disrupt TMEM43 protein function with a negative predictive value of 80%. In summary, the available evidence is currently insufficient to determine the role of this variant in disease. Therefore, it has been classified as a Variant of Uncertain Significance.

Color Diagnostics, LLC DBA Color Health
Classification: Uncertain significance for Cardiomyopathy. Last evaluated: 2023-11-15. Review status: criteria provided, single submitter. Criteria: ACMG Guidelines, 2015. Collection method: clinical testing. Allele origin: germline.
Comment: This missense variant replaces methionine with valine at codon 121 of the TMEM43 protein. Computational prediction suggests that this variant may have deleterious impact on protein structure and function (internally defined REVEL score threshold >= 0.7, PMID: 27666373). To our knowledge, functional studies have not been reported for this variant. This variant has not been reported in individuals affected with TMEM43-related disorders in the literature. This variant has been identified in 8/282568 chromosomes in the general population by the Genome Aggregation Database (gnomAD). The available evidence is insufficient to determine the role of this variant in disease conclusively. Therefore, this variant is classified as a Variant of Uncertain Significance.

Ambry Genetics
Classification: Likely benign for Cardiovascular phenotype. Last evaluated: 2023-03-06. Review status: criteria provided, single submitter. Criteria: Ambry Variant Classification Scheme 2023. Collection method: clinical testing. Allele origin: germline.

GeneDx
Classification: Uncertain significance. Last evaluated: 2022-06-21. Review status: criteria provided, single submitter. Criteria: GeneDx Variant Classification Process June 2021. Collection method: clinical testing. Allele origin: germline. Affected: yes.
Comment: Has not been previously published as pathogenic or benign to our knowledge; In silico analysis supports that this missense variant has a deleterious effect on protein structure/function

Women's Health and Genetics/Laboratory Corporation of America, LabCorp
Classification: Uncertain significance. Last evaluated: 2019-11-05. Review status: criteria provided, single submitter. Criteria: LabCorp Variant Classification Summary - May 2015. Collection method: clinical testing. Allele origin: germline.
Comment: Variant summary: TMEM43 c.361A>G (p.Met121Val) results in a conservative amino acid change in the encoded protein sequence. Four of five in-silico tools predict a damaging effect of the variant on protein function. The variant allele was found at a frequency of 2.4e-05 in 251156 control chromosomes (gnomAD). The available data on variant occurrences in the general population are insufficient to allow any conclusion about variant significance. To our knowledge, no occurrence of c.361A>G in individuals affected with Cardiomyopathy and no experimental evidence demonstrating its impact on protein function have been reported. Co-occurrence with another pathogenic variant has been internally reported ( TTR c.424G>A, p.V142I), providing supporting evidence for a benign role. One clinical diagnostic laboratory has submitted clinical-significance assessments for this variant to ClinVar after 2014 and classified the variant as uncertain significance. Based on the evidence outlined above, the variant was classified as uncertain significance.

Laboratory for Molecular Medicine, Mass General Brigham Personalized Medicine
Classification: Uncertain significance. Last evaluated: 2009-01-22. Review status: no assertion criteria provided. Collection method: clinical testing. Allele origin: germline. Observed: 1 variant allele. Not counted in ClinVar's aggregate classification.

NM_024334.3(TMEM43):c.361A>G (p.Met121Val)

Gene: TMEM43 (transmembrane protein 43; plus strand). Cytogenetic location: 3p25.1.
Variant type: single nucleotide variant.
Coding change: c.361A>G on transcript NM_024334.3 (MANE Select); coding-DNA position 361, A replaced by G.
Protein change: p.Met121Val; replaces methionine 121 with valine.
Molecular consequence: missense variant.
Genome position (GRCh38, 1-based): chr3:14,131,643, A>G. VCF-style: chr3-14131643-A-G. GRCh37 (hg19) VCF-style: chr3-14173143-A-G.
Other names: short protein forms M121V.
Identifiers: ClinVar variation 46143 (VCV000046143.18), dbSNP rs369878538, ClinGen allele CA024666.
Genomic context (GRCh38, chr3:14,131,643, plus strand): 5'-TTGTCTGATCCAAACTATGGGGTCCATCTTCCGGCTGTGAAACTGCGGAGGCACGTGGAG[A>G]TGTACCAATGGGTAGAAACTGAGGAGTCCAGGTGAGCTGTTGGGGTGAAAACTCTGTTGG-3'
Protein context (NP_077310.1, residues 111-131): PAVKLRRHVE[Met121Val]YQWVETEESR